The following is an entry in ClinVar:

NM_001928.4(CFD):c.668C>G (p.Thr223Ser)

Gene: CFD (complement factor D; plus strand). Cytogenetic location: 19p13.3.
Variant type: single nucleotide variant.
Coding change: c.668C>G on transcript NM_001928.4 (MANE Select); coding-DNA position 668, C replaced by G.
Protein change: p.Thr223Ser; replaces threonine 223 with serine.
Molecular consequence: missense variant.
Genome position (GRCh38, 1-based): chr19:863,144, C>G. VCF-style: chr19-863144-C-G. GRCh37 (hg19) VCF-style: chr19-863144-C-G.
Other names: c.689C>G, p.Thr230Ser (NM_001317335.2); short protein forms T230S, T223S.
Identifiers: ClinVar variation 1430239 (VCV001430239.5), dbSNP rs981361195, ClinGen allele CA303955828.

ClinVar aggregate classification (germline): Uncertain significance (1 of 4 stars; one submission).

Allele frequency attached by ClinVar (database versions not stated): TOPMed below 0.00001; gnomAD 0.00001.
gnomAD v4.1: 1 of 1,535,534 alleles (0.000065%); highest among the groups gnomAD compares: African/African-American, 0.0014%; no homozygotes.

Submission:

Labcorp Genetics (formerly Invitae), Labcorp
Classification: Uncertain significance. Last evaluated: 2022-12-02. Review status: criteria provided, single submitter. Criteria: Invitae Variant Classification Sherloc (09022015). Collection method: clinical testing. Allele origin: germline.
Comment: This sequence change replaces threonine with serine at codon 223 of the CFD protein (p.Thr223Ser). The threonine residue is moderately conserved and there is a small physicochemical difference between threonine and serine. In summary, the available evidence is currently insufficient to determine the role of this variant in disease. Therefore, it has been classified as a Variant of Uncertain Significance. Algorithms developed to predict the effect of missense changes on protein structure and function are either unavailable or do not agree on the potential impact of this missense change (SIFT: "Not Available"; PolyPhen-2: "Possibly Damaging"; Align-GVGD: "Not Available"). ClinVar contains an entry for this variant (Variation ID: 1430239). This variant has not been reported in the literature in individuals affected with CFD-related conditions. This variant is not present in population databases (gnomAD no frequency).